The following is an entry in ClinVar:

ClinVar aggregate classification (germline): Uncertain significance (1 of 4 stars; one submission).

Allele frequency attached by ClinVar (database versions not stated): gnomAD exomes below 0.00001; TOPMed below 0.00001; ExAC 0.00002.
gnomAD v4.1: 2 of 1,614,012 alleles (0.00012%); highest among the groups gnomAD compares: Admixed American, 0.0033%; no homozygotes.

Submission:

Labcorp Genetics (formerly Invitae), Labcorp
Classification: Uncertain significance. Last evaluated: 2024-10-21. Review status: criteria provided, single submitter. Criteria: Invitae Variant Classification Sherloc (09022015). Collection method: clinical testing. Allele origin: germline.
Comment: This sequence change replaces alanine, which is neutral and non-polar, with threonine, which is neutral and polar, at codon 1893 of the ITPR1 protein (p.Ala1893Thr). This variant is present in population databases (rs747253055, gnomAD 0.006%). This variant has not been reported in the literature in individuals affected with ITPR1-related conditions. Invitae Evidence Modeling of protein sequence and biophysical properties (such as structural, functional, and spatial information, amino acid conservation, physicochemical variation, residue mobility, and thermodynamic stability) indicates that this missense variant is not expected to disrupt ITPR1 protein function with a negative predictive value of 95%. In summary, the available evidence is currently insufficient to determine the role of this variant in disease. Therefore, it has been classified as a Variant of Uncertain Significance.

NM_001378452.1(ITPR1):c.5866G>A (p.Ala1956Thr)

Gene: ITPR1 (inositol 1,4,5-trisphosphate receptor type 1; plus strand). Cytogenetic location: 3p26.1.
Variant type: single nucleotide variant.
Coding change: c.5866G>A on transcript NM_001378452.1 (MANE Select); coding-DNA position 5866, G replaced by A.
Protein change: p.Ala1956Thr; replaces alanine 1956 with threonine.
Molecular consequence: missense variant.
Genome position (GRCh38, 1-based): chr3:4,768,651, G>A. VCF-style: chr3-4768651-G-A. GRCh37 (hg19) VCF-style: chr3-4810335-G-A.
Other names: c.5722G>A, p.Ala1908Thr (NM_001099952.4); c.5821G>A, p.Ala1941Thr (NM_001168272.2); c.5677G>A, p.Ala1893Thr (NM_002222.7); short protein forms A1941T, A1908T, A1893T, A1956T.
Identifiers: ClinVar variation 2992220 (VCV002992220.3), dbSNP rs747253055, ClinGen allele CA2232450.